The following is an entry in ClinVar:

ClinVar aggregate classification (germline): Uncertain significance. Review status: criteria provided, multiple submitters, no conflicts (2 of 4 stars). 3 submissions from 3 submitters: Uncertain significance (2). 1 of the submissions does not count toward it. Last evaluated 2023-05-08.

Conditions:
TTN-related disorder. Also called: TTN-related condition; TTN-related disease; TTN-related disorders.

Allele frequency attached by ClinVar (database versions not stated): TOPMed 0.00008; gnomAD 0.00009; gnomAD exomes 0.00001; ExAC 0.00002; ESP Exome Variant Server 0.00008.
gnomAD v4.1: 22 of 1,613,320 alleles (0.0014%); highest among the groups gnomAD compares: African/African-American, 0.028%; no homozygotes.

Submissions (3):

Women's Health and Genetics/Laboratory Corporation of America, LabCorp
Classification: Uncertain significance. Last evaluated: 2023-05-08. Review status: criteria provided, single submitter. Criteria: LabCorp Variant Classification Summary - May 2015. Collection method: clinical testing. Allele origin: germline.
Comment: Variant summary: TTN c.60077A>T (p.Asp20026Val) results in a non-conservative amino acid change located in the A-band region of the encoded protein sequence. Three of four in-silico tools predict a damaging effect of the variant on protein function. The variant allele was found at a frequency of 2.4e-05 in 248618 control chromosomes, predominantly at a frequency of 0.00039 within the African or African-American subpopulation in the gnomAD database. The available data on variant occurrences in the general population are insufficient to allow any conclusion about variant significance. To our knowledge, no occurrence of c.60077A>T in individuals affected with Dilated Cardiomyopathy and no experimental evidence demonstrating its impact on protein function have been reported. One clinical diagnostic laboratory has submitted a clinical-significance assessment for this variant to ClinVar after 2014 without evidence for independent evaluation and classified the variant as uncertain significance. Based on the evidence outlined above, the variant was classified as uncertain significance.

Revvity Omics, Revvity
Classification: Uncertain significance. Last evaluated: 2019-04-15. Review status: criteria provided, single submitter. Criteria: ACMG Guidelines, 2015. Collection method: clinical testing. Allele origin: germline.

PreventionGenetics, part of Exact Sciences
Classification: Uncertain significance for TTN-related condition. Last evaluated: 2024-07-09. Review status: no assertion criteria provided. Collection method: clinical testing. Allele origin: germline. Not counted in ClinVar's aggregate classification.
Comment: The TTN c.67781A>T variant is predicted to result in the amino acid substitution p.Asp22594Val. To our knowledge, this variant has not been reported in the literature. This variant is reported in 0.039% of alleles in individuals of African descent in gnomAD. At this time, the clinical significance of this variant is uncertain due to the absence of conclusive functional and genetic evidence.

NM_001267550.2(TTN):c.67781A>T (p.Asp22594Val)

Genes: TTN (titin; minus strand), TTN-AS1 (TTN antisense RNA 1; plus strand), LOC126806423 (CDK7 strongly-dependent group 2 enhancer GRCh37_chr2:179443309-179444508; plus strand). Cytogenetic location: 2q31.2.
Variant type: single nucleotide variant.
Coding change: c.67781A>T on transcript NM_001267550.2 (MANE Select); coding-DNA position 67781, A replaced by T.
Protein change: p.Asp22594Val; replaces aspartic acid 22594 with valine.
Molecular consequence: missense variant.
Genome position (GRCh38, 1-based): chr2:178,579,249, T>A on the plus strand (A>T on the coding strand, the complement: TTN is on the minus strand). VCF-style: chr2-178579249-T-A. GRCh37 (hg19) VCF-style: chr2-179443976-T-A.
Other names: c.62858A>T, p.Asp20953Val (NM_001256850.1); c.40586A>T, p.Asp13529Val (NM_003319.4); c.60077A>T, p.Asp20026Val (NM_133378.4); c.40961A>T, p.Asp13654Val (NM_133432.3); c.41162A>T, p.Asp13721Val (NM_133437.4); short protein forms D13529V, D13654V, D13721V, D20026V, D20953V, D22594V.
Identifiers: ClinVar variation 2438215 (VCV002438215.5), dbSNP rs369911767, ClinGen allele CA1991235.